The following is an entry in ClinVar:

NM_001830.4(CLCN4):c.1601C>T (p.Ser534Leu)

Gene: CLCN4 (chloride voltage-gated channel 4; plus strand). Cytogenetic location: Xp22.2.
Variant type: single nucleotide variant.
Coding change: c.1601C>T on transcript NM_001830.4 (MANE Select); coding-DNA position 1601, C replaced by T.
Protein change: p.Ser534Leu; replaces serine 534 with leucine.
Molecular consequence: missense variant.
Genome position (GRCh38, 1-based): chrX:10,213,705, C>T. VCF-style: chrX-10213705-C-T. GRCh37 (hg19) VCF-style: chrX-10181745-C-T.
Other names: c.1319C>T, p.Ser440Leu (NM_001256944.2); short protein forms S534L, S440L.
Identifiers: ClinVar variation 209113 (VCV000209113.2), dbSNP rs879255582, ClinGen allele CA10575778.
Genomic context (GRCh38, chrX:10,213,705, plus strand): 5'-TGCACTTTGGAATCTTACTCCTCCCCTCTGTTGCAGGTGGAGTTACCAGGATGACGGTGT[C>T]ATTGGTGGTCATCATGTTTGAATTAACCGGGGGTCTGGAGTACATCGTGCCCCTGATGGC-3'
Protein context (NP_001821.2, residues 524-544): CLGGVTRMTV[Ser534Leu]LVVIMFELTG

ClinVar aggregate classification (germline): Pathogenic (1 of 4 stars; one submission).

Conditions:
CLCN4-related disorder. Identifiers: MedGen CN232948.

Submission:

Sydney Children's Hospital, SCHN
Classification: Pathogenic for CLCN4-related disorder. Last evaluated: 2016-03-22. Review status: criteria provided, single submitter. Criteria: Submitter's publication. Collection method: clinical testing. Allele origin: de novo. Inheritance: Sporadic. Affected: yes. Observed: 1 variant allele, 1 hemizygote.
Comment: De novo variant. Clinical phenotype consistent with case series of individuals with CLCN4 related disorder.